The following is an entry in ClinVar:

NM_000368.5(TSC1):c.-144+111G>A

Gene: TSC1 (TSC complex subunit 1; minus strand). Cytogenetic location: 9q34.13.
Variant type: single nucleotide variant.
Coding change: c.-144+111G>A on transcript NM_000368.5 (MANE Select); 111 bases into the intron after 144 bases upstream of the start codon, G replaced by A.
Molecular consequence: intron variant.
Genome position (GRCh38, 1-based): chr9:132,944,432, C>T on the plus strand (G>A on the coding strand, the complement: TSC1 is on the minus strand). VCF-style: chr9-132944432-C-T. GRCh37 (hg19) VCF-style: chr9-135819819-C-T.
Other names: c.-144+140G>A (NM_001406592.1, NM_001406613.1, NM_001406612.1 and 6 more transcripts); c.-363+140G>A (NM_001406600.1, NM_001406595.1); c.-403+115G>A (NM_001406619.1); c.-144+115G>A (NM_001406598.1, NM_001406607.1, NM_001406593.1); c.-81+111G>A (NM_001406596.1); c.-403+111G>A (NM_001406622.1, NM_001362177.2); c.-495+111G>A (NM_001406614.1); c.-144+111G>A (NM_001406611.1, NM_001162427.2, NM_001406604.1 and 4 more transcripts); and 9 more.
Identifiers: ClinVar variation 3773671 (VCV003773671.2).
Genomic context (GRCh38, chr9:132,944,432, plus strand): 5'-CGTGTAATAAGAGGGAGGGGAGAGCTCTCCGAACCCCCCTTCCCCGGGATCCCTACCAAG[C>T]AAGTGAGTCTCTTGCTCCAGCCCCTCCGAGCCTCCCCGGCTGGAGTCATGGTGCCGGGGC-3'

ClinVar aggregate classification (germline): Uncertain significance (1 of 4 stars; one submission).

Conditions:
Tuberous sclerosis 1 (TSC1). Identifiers: Orphanet 805, MedGen C1854465, MONDO:0008612, OMIM 191100.

Submission:

Institute of Human Genetics, University of Leipzig Medical Center
Classification: Uncertain significance for Tuberous sclerosis 1. Last evaluated: 2025-03-04. Review status: criteria provided, single submitter. Criteria: ACMG Guidelines, 2015. Collection method: clinical testing. Allele origin: unknown. Inheritance: Autosomal dominant inheritance. Affected: yes.
Comment: Criteria applied: PM2_SUP,PP4